The following is an entry in ClinVar:

NM_177438.3(DICER1):c.3516_3525delinsA (p.Thr1173_Ile1175del)

Gene: DICER1 (dicer 1, ribonuclease III; minus strand). Cytogenetic location: 14q32.13.
Variant type: Indel.
Coding change: c.3516_3525delinsA on transcript NM_177438.3 (MANE Select); coding-DNA positions 3516 to 3525, TACAGCAATT replaced by A.
Protein change: p.Thr1173_Ile1175del.
Molecular consequence: inframe deletion.
Genome position (GRCh38, 1-based): chr14:95,103,871-95,103,880, AATTGCTGTA replaced by T on the plus strand (TACAGCAATT replaced by A on the coding strand, the reverse complement: DICER1 is on the minus strand). VCF-style: chr14-95103871-AATTGCTGTA-T. GRCh37 (hg19) VCF-style: chr14-95570208-AATTGCTGTA-T.
Other names: c.3516_3525delinsA, p.Thr1173_Ile1175del (NM_001195573.1, NM_001271282.3, NM_001291628.2 and 1 more transcripts).
Identifiers: ClinVar variation 429158 (VCV000429158.2), dbSNP rs1555369579, ClinGen allele CA645369618.

ClinVar aggregate classification (germline): Pathogenic (1 of 4 stars; one submission).

Conditions:
Hereditary cancer-predisposing syndrome. Also called: Hereditary Cancer Syndrome; Neoplastic Syndromes, Hereditary; Hereditary neoplastic syndrome; Tumor predisposition. Identifiers: Orphanet 140162, MedGen C0027672, MeSH D009386, MONDO:0015356.

Submission:

Ambry Genetics
Classification: Pathogenic for Hereditary cancer-predisposing syndrome. Last evaluated: 2013-07-08. Review status: criteria provided, single submitter. Criteria: Ambry Autosomal Dominant and X-Linked criteria (10/2015). Collection method: clinical testing. Allele origin: germline. Observed: 1 variant allele.
Comment: Alterations resulting in premature truncation (e.g.reading frame shift, nonsense)